The following is an entry in ClinVar:

NM_001081.4(CUBN):c.1190A>G (p.Asn397Ser)

Gene: CUBN (cubilin; minus strand). Cytogenetic location: 10p13.
Variant type: single nucleotide variant.
Coding change: c.1190A>G on transcript NM_001081.4 (MANE Select); coding-DNA position 1190, A replaced by G.
Protein change: p.Asn397Ser; replaces asparagine 397 with serine.
Molecular consequence: missense variant.
Genome position (GRCh38, 1-based): chr10:17,105,497, T>C on the plus strand (A>G on the coding strand, the complement: CUBN is on the minus strand). VCF-style: chr10-17105497-T-C. GRCh37 (hg19) VCF-style: chr10-17147496-T-C.
Other names: short protein forms N397S.
Identifiers: ClinVar variation 1419195 (VCV001419195.5), dbSNP rs140397272, ClinGen allele CA203597844.

ClinVar aggregate classification (germline): Uncertain significance. Review status: criteria provided, multiple submitters, no conflicts (2 of 4 stars). 2 submissions from 2 submitters: Uncertain significance (2). Last evaluated 2024-01-09.

Conditions:
Imerslund-Grasbeck syndrome. Also called: PERNICIOUS ANEMIA, JUVENILE, DUE TO SELECTIVE INTESTINAL MALABSORPTION OF VITAMIN B12, WITH PROTEINURIA; Megaloblastic anemia due to inborn errors of metabolism; ENTEROCYTE COBALAMIN MALABSORPTION; ENTEROCYTE INTRINSIC FACTOR RECEPTOR, DEFECT OF; Imerslund-Gräsbeck syndrome. Identifiers: Orphanet 35858, MedGen C4551825, MONDO:0009853.
Proteinuria, chronic benign. Identifiers: MedGen C5394384, MONDO:0030042, OMIM 618884.
Imerslund-Grasbeck syndrome type 1 (IGS1). Also called: Imerslund-Gräsbeck syndrome 1; Megaloblastic anemia 1, Finnish type; MEGALOBLASTIC ANEMIA, 1. Identifiers: MedGen C4016819, MONDO:0100156, OMIM 261100.

Allele frequency attached by ClinVar (database versions not stated): gnomAD exomes 0.00001; TOPMed 0.00001; gnomAD 0.00001; ESP Exome Variant Server 0.00008.
gnomAD v4.1: 20 of 1,611,238 alleles (0.0012%); highest among the groups gnomAD compares: Admixed American, 0.0033%; no homozygotes.

Submissions (2):

Fulgent Genetics
Classification: Uncertain significance for Imerslund-Grasbeck syndrome type 1; Proteinuria, chronic benign. Last evaluated: 2024-01-09. Review status: criteria provided, single submitter. Criteria: ACMG Guidelines, 2015. Collection method: clinical testing. Allele origin: germline.

Labcorp Genetics (formerly Invitae), Labcorp
Classification: Uncertain significance for Imerslund-Grasbeck syndrome. Last evaluated: 2023-06-29. Review status: criteria provided, single submitter. Criteria: Invitae Variant Classification Sherloc (09022015). Collection method: clinical testing. Allele origin: germline.
Comment: In summary, the available evidence is currently insufficient to determine the role of this variant in disease. Therefore, it has been classified as a Variant of Uncertain Significance. Advanced modeling of protein sequence and biophysical properties (such as structural, functional, and spatial information, amino acid conservation, physicochemical variation, residue mobility, and thermodynamic stability) performed at Invitae indicates that this missense variant is not expected to disrupt CUBN protein function. ClinVar contains an entry for this variant (Variation ID: 1419195). This variant has not been reported in the literature in individuals affected with CUBN-related conditions. This variant is present in population databases (rs140397272, gnomAD 0.0009%). This sequence change replaces asparagine, which is neutral and polar, with serine, which is neutral and polar, at codon 397 of the CUBN protein (p.Asn397Ser).